The following is an entry in ClinVar:

NM_001379110.1(SLC9A6):c.1438dup (p.Met480fs)

Gene: SLC9A6 (solute carrier family 9 member A6; plus strand). Cytogenetic location: Xq26.3.
Variant type: Duplication.
Coding change: c.1438dup on transcript NM_001379110.1 (MANE Select); coding-DNA position 1438, one base duplicated (A; older notation c.1438dupA).
Protein change: p.Met480fs; shifts the reading frame from methionine 480.
Molecular consequence: frameshift variant.
Genome position (GRCh38, 1-based): chrX:136,024,461, A duplicated; the last of 2 consecutive A bases (chrX:136,024,460-136,024,461); duplicating either gives the same sequence. VCF-style (leftmost placement, unchanged base first): chrX-136024459-C-CA. GRCh37 (hg19) VCF-style: chrX-135106618-C-CA.
Other names: c.1594dup, p.Met532fs (NM_001042537.2); c.1438dup, p.Met480fs (NM_001177651.2); c.1342dup, p.Met448fs (NM_001330652.2); c.1498dup, p.Met500fs (NM_006359.3); c.1498dupA (NM_006359.2); short protein forms M448fs, M480fs, M500fs, M532fs.
Identifiers: ClinVar variation 1208653 (VCV001208653.6), dbSNP rs2148190013, ClinGen allele CA2499226384.

ClinVar aggregate classification (germline): Pathogenic/Likely pathogenic. Review status: criteria provided, multiple submitters, no conflicts (2 of 4 stars). 3 submissions from 3 submitters: Pathogenic (1); Likely pathogenic (2). Last evaluated 2022-01-01.

Conditions:
SLC9A6-related disorder. Also called: SLC9A6-related condition.
Christianson syndrome (MRXSCH). Also called: SLC9A6-Related Syndromic Mental Retardation; X-linked mental retardation, syndromic, Christianson type; INTELLECTUAL DEVELOPMENTAL DISORDER, X-LINKED, SYNDROMIC, CHRISTIANSON TYPE. Identifiers: Orphanet 85278, MedGen C2678194, MONDO:0010278, OMIM 300243.

Submissions (3):

Provincial Medical Genetics Program of British Columbia, University of British Columbia
Classification: Likely pathogenic for Christianson syndrome. Last evaluated: 2022-01-01. Review status: criteria provided, single submitter. Criteria: ACMG Guidelines, 2015. Collection method: clinical testing. Allele origin: de novo. Affected: yes.

GeneDx
Classification: Pathogenic. Last evaluated: 2019-07-29. Review status: criteria provided, single submitter. Criteria: GeneDx Variant Classification Process June 2021. Collection method: clinical testing. Allele origin: germline. Affected: yes.
Comment: Frameshift variant predicted to result in protein truncation or nonsense mediated decay in a gene for which loss-of-function is a known mechanism of disease; Not observed in large population cohorts (Lek et al., 2016); Has not been previously published as pathogenic or benign to our knowledge

Blueprint Genetics
Classification: Likely pathogenic for SLC9A6-related disorders. Last evaluated: 2019-07-12. Review status: criteria provided, single submitter. Criteria: ACMG Guidelines, 2015. Collection method: clinical testing. Allele origin: germline. Affected: yes. Observed: 1 variant allele.